The following is an entry in ClinVar:

NM_001101.5(ACTB):c.434C>G (p.Ser145Cys)

Gene: ACTB (actin beta; minus strand). Cytogenetic location: 7p22.1.
Variant type: single nucleotide variant.
Coding change: c.434C>G on transcript NM_001101.5 (MANE Select); coding-DNA position 434, C replaced by G.
Protein change: p.Ser145Cys; replaces serine 145 with cysteine.
Molecular consequence: missense variant.
Genome position (GRCh38, 1-based): chr7:5,528,649, G>C on the plus strand (C>G on the coding strand, the complement: ACTB is on the minus strand). VCF-style: chr7-5528649-G-C. GRCh37 (hg19) VCF-style: chr7-5568280-G-C.
Other names: short protein forms S145C.
Identifiers: ClinVar variation 4681736 (VCV004681736.7).

ClinVar aggregate classification (germline): Pathogenic/Likely pathogenic. Review status: criteria provided, multiple submitters, no conflicts (2 of 4 stars). 4 submissions from 4 submitters: Pathogenic (1); Likely pathogenic (3). Last evaluated 2026-01-26.

Conditions:
Baraitser-Winter syndrome 1 (BRWS1). Also called: BARAITSER-WINTER SYNDROME 1, ATYPICAL; PACHYGYRIA, MENTAL RETARDATION, EPILEPSY, AND CHARACTERISTIC FACIES; MENTAL RETARDATION WITH EPILEPSY AND CHARACTERISTIC FACIES; Cerebrofrontofacial syndrome. Identifiers: Orphanet 2649, Orphanet 2995, MedGen C1855722, MONDO:0009470, OMIM 243310.
ACTB-related disorder. Also called: ACTB-related disorders; ACTB-related condition.
Hearing problem. Also called: Hearing disorder. Identifiers: MedGen C0260662, MONDO:0021945.

Submissions (4):

3billion
Classification: Likely pathogenic for Baraitser-Winter syndrome 1. Last evaluated: 2026-01-26. Review status: criteria provided, single submitter. Criteria: ACMG Guidelines, 2015. Collection method: clinical testing. Allele origin: germline. Affected: yes.
Comment: The variant is not observed in the gnomAD v4.1.0 dataset. Predicted Consequence/Location: The variant is located in a mutational hot spot and/or well-established functional domain in which established pathogenic variants have been reported. Missense variant. Missense changes are a common disease-causing mechanism. In silico tool predictions suggest damaging effect of the variant on gene or gene product [REVEL: 0.95 (>=0.6, sensitivity 0.68 and specificity 0.92); 3Cnet: 0.99 (> 0.75, sensitivity 0.96 and precision 0.92)]. The same nucleotide change resulting in the same amino acid change has been previously reported to be associated with ACTB-related disorder (ClinVar ID: VCV004681736 /PMID: 28872563). Therefore, this variant is classified as Likely pathogenic according to the recommendation of ACMG/AMP guideline.

CeGaT Center for Human Genetics Tuebingen
Classification: Likely pathogenic. Last evaluated: 2025-12-01. Review status: criteria provided, single submitter. Criteria: CeGaT Center For Human Genetics Tuebingen Variant Classification Criteria Version 2. Collection method: clinical testing. Allele origin: germline. Affected: yes. Observed: 1 variant allele.
Comment: ACTB: PM2, PM6, PP2, PP3, PS4:Supporting

Blueprint Genetics
Classification: Likely pathogenic for ACTB-related disorders. Last evaluated: 2023-10-02. Review status: criteria provided, single submitter. Criteria: ACMG Guidelines, 2015. Collection method: clinical testing. Allele origin: germline. Affected: yes. Observed: 1 variant allele.

AURAGEN, Plan France Médecine Génomique
Classification: Pathogenic for Hearing problem. Last evaluated: 2021-12-14. Review status: criteria provided, single submitter. Criteria: PFMG2025 (Lancet Reg Health Eur. 2025). Collection method: clinical testing. Allele origin: germline. Affected: yes.

Literature cited by the submitters: PubMed 28872563 (cited by 3billion).